The following is an entry in ClinVar:

NM_015215.4(CAMTA1):c.4674C>G (p.Tyr1558Ter)

Gene: CAMTA1 (calmodulin binding transcription activator 1; plus strand). Cytogenetic location: 1p36.23.
Variant type: single nucleotide variant.
Coding change: c.4674C>G on transcript NM_015215.4 (MANE Select); coding-DNA position 4674, C replaced by G.
Protein change: p.Tyr1558Ter; replaces tyrosine 1558 with a stop codon.
Molecular consequence: nonsense.
Genome position (GRCh38, 1-based): chr1:7,747,766, C>G. VCF-style: chr1-7747766-C-G. GRCh37 (hg19) VCF-style: chr1-7807826-C-G.
Other names: c.1746C>G, p.Tyr582Ter (NM_001349615.2, NM_001349616.2, NM_001349617.1 and 2 more transcripts); c.1407C>G, p.Tyr469Ter (NM_001349619.2, NM_001349620.1, NM_001349621.1 and 5 more transcripts); c.4584C>G, p.Tyr1528Ter (NM_001349608.2); c.4335C>G, p.Tyr1445Ter (NM_001349609.2, NM_001349610.2); c.4245C>G, p.Tyr1415Ter (NM_001349612.2); c.1803C>G, p.Tyr601Ter (NM_001349613.1); short protein forms Y1558*, Y1415*, Y582*, Y601*, Y1528*, Y1445*, Y469*.
Identifiers: ClinVar variation 1029369 (VCV001029369.1), dbSNP rs2096866859, ClinGen allele CA338142761.

ClinVar aggregate classification (germline): Likely pathogenic (1 of 4 stars; one submission).

Conditions:
Cerebellar dysfunction with variable cognitive and behavioral abnormalities (CECBA). Also called: Nonprogressive cerebellar atxia with intellectual disability. Identifiers: Orphanet 314647, MedGen C3553661, MONDO:0013886, OMIM 614756.

Submission:

Baylor Genetics
Classification: Likely pathogenic for Cerebellar dysfunction with variable cognitive and behavioral abnormalities. Last evaluated: 2020-10-19. Review status: criteria provided, single submitter. Criteria: ACMG Guidelines, 2015. Collection method: clinical testing. Allele origin: unknown. Affected: yes.
Comment: This variant was determined to be likely pathogenic according to ACMG Guidelines, 2015 [PMID:25741868].